The following is an entry in ClinVar:

ClinVar aggregate classification (germline): Likely pathogenic (1 of 4 stars; one submission).

Conditions:
Dilated cardiomyopathy 1G (CMD1G). Identifiers: Orphanet 154, MedGen C1858763, MONDO:0011400, OMIM 604145.

Submission:

Institute of Human Genetics, University of Leipzig Medical Center
Classification: Likely pathogenic for Dilated cardiomyopathy 1G. Last evaluated: 2025-12-18. Review status: criteria provided, single submitter. Criteria: ACMG Guidelines, 2015. Collection method: clinical testing. Allele origin: unknown. Inheritance: Autosomal dominant inheritance. Affected: yes.
Comment: Criteria applied: PVS1_STR,PM2

NM_001267550.2(TTN):c.97795+1G>T

Genes: TTN (titin; minus strand), TTN-AS1 (TTN antisense RNA 1; plus strand). Cytogenetic location: 2q31.2.
Variant type: single nucleotide variant.
Coding change: c.97795+1G>T on transcript NM_001267550.2 (MANE Select); the canonical splice donor site of the intron after coding-DNA position 97795, G replaced by T.
Molecular consequence: splice donor variant.
Genome position (GRCh38, 1-based): chr2:178,541,281, C>A on the plus strand (G>T on the coding strand, the complement: TTN is on the minus strand). VCF-style: chr2-178541281-C-A. GRCh37 (hg19) VCF-style: chr2-179406008-C-A.
Other names: c.70600+1G>T (NM_003319.4); c.71176+1G>T (NM_133437.4); c.70975+1G>T (NM_133432.3); c.90091+1G>T (NM_133378.4); c.92872+1G>T (NM_001256850.1).
Identifiers: ClinVar variation 4683106 (VCV004683106.1).